The following is an entry in ClinVar:

ClinVar aggregate classification (germline): Pathogenic. Review status: reviewed by expert panel (3 of 4 stars). 7 submissions from 7 submitters: Pathogenic (1). 6 of the submissions do not count toward it. Last evaluated 2016-10-18.

Conditions:
Hereditary cancer-predisposing syndrome. Also called: Hereditary neoplastic syndrome; Hereditary Cancer Syndrome; Neoplastic Syndromes, Hereditary; Tumor predisposition. Identifiers: Orphanet 140162, MedGen C0027672, MeSH D009386, MONDO:0015356.
Breast neoplasm. Also called: Breast Neoplasms; Neoplasm of breast; Breast tumor; Neoplasm of the breast. Identifiers: MedGen C1458155, MeSH D001943, MONDO:0021100, HP:0100013. Disease mechanism: gain of function.
Hereditary breast ovarian cancer syndrome. Also called: BRCA1- and BRCA2-Associated Hereditary Breast and Ovarian Cancer; Breast and ovarian cancer; Hereditary breast and/or ovarian cancer syndrome; Hereditary breast and ovarian cancer syndrome (HBOC); Hereditary breast and ovarian cancer syndrome; Hereditary breast and ovarian cancer. Identifiers: Orphanet 145, MedGen C0677776, MeSH D061325, MONDO:0003582. Disease mechanism: loss of function.
Breast-ovarian cancer, familial, susceptibility to, 2 (BROVCA2). Also called: BRCA2 Hereditary Breast and Ovarian Cancer. Identifiers: Orphanet 145, MedGen C2675520, MONDO:0012933, OMIM 612555. Disease mechanism: loss of function.

Submissions (7):

Evidence-based Network for the Interpretation of Germline Mutant Alleles (ENIGMA)
Classification: Pathogenic for Breast-ovarian cancer, familial, susceptibility to, 2. Last evaluated: 2016-10-18. Review status: reviewed by expert panel. Criteria: ENIGMA BRCA1/2 Classification Criteria (2015). Collection method: curation. Allele origin: germline.
Comment: Variant allele predicted to encode a truncated non-functional protein.

Labcorp Genetics (formerly Invitae), Labcorp
Classification: Pathogenic for Hereditary breast ovarian cancer syndrome. Last evaluated: 2026-01-26. Review status: criteria provided, single submitter. Criteria: Invitae Variant Classification Sherloc (09022015). Collection method: clinical testing. Allele origin: germline. Not counted in ClinVar's aggregate classification.
Comment: This sequence change creates a premature translational stop signal (p.Leu997*) in the BRCA2 gene. It is expected to result in an absent or disrupted protein product. Loss-of-function variants in BRCA2 are known to be pathogenic (PMID: 20104584). This variant is not present in population databases (gnomAD no frequency). This premature translational stop signal has been observed in individual(s) with personal or family history of breast and/or ovarian cancer (PMID: 27553291, 29566657). ClinVar contains an entry for this variant (Variation ID: 266732). For these reasons, this variant has been classified as Pathogenic.

Ambry Genetics
Classification: Pathogenic for Hereditary cancer-predisposing syndrome. Last evaluated: 2024-03-25. Review status: criteria provided, single submitter. Criteria: Ambry Variant Classification Scheme 2023. Collection method: clinical testing. Allele origin: germline. Not counted in ClinVar's aggregate classification.
Comment: The p.L997* pathogenic mutation (also known as c.2990T>G), located in coding exon 10 of the BRCA2 gene, results from a T to G substitution at nucleotide position 2990. This changes the amino acid from a leucine to a stop codon within coding exon 10. This alteration was also identified in a large, worldwide study of BRCA1/2 mutation positive families (Rebbeck TR et al. Hum. Mutat., 2018 05;39:593-620). In addition to the clinical data presented in the literature, this alteration is expected to result in loss of function by premature protein truncation or nonsense-mediated mRNA decay. As such, this alteration is interpreted as a disease-causing mutation.

Color Diagnostics, LLC DBA Color Health
Classification: Pathogenic for Hereditary cancer-predisposing syndrome. Last evaluated: 2020-01-15. Review status: criteria provided, single submitter. Criteria: ACMG Guidelines, 2015. Collection method: clinical testing. Allele origin: germline. Not counted in ClinVar's aggregate classification.
Comment: This variant changes 1 nucleotide in exon 11 of the BRCA2 gene, creating a premature translation stop signal. This variant is expected to result in an absent or non-functional protein product. This variant has not been identified in the general population by the Genome Aggregation Database (gnomAD). Loss of BRCA2 function is a known mechanism of disease. Based on the available evidence, this variant is classified as Pathogenic.

Consortium of Investigators of Modifiers of BRCA1/2 (CIMBA), c/o University of Cambridge
Classification: Pathogenic for Breast-ovarian cancer, familial, susceptibility to, 2. Last evaluated: 2015-10-02. Review status: criteria provided, single submitter. Criteria: CIMBA Mutation Classification guidelines May 2016. Collection method: clinical testing. Allele origin: germline. Not counted in ClinVar's aggregate classification.

Juno Genomics, Hangzhou Juno Genomics, Inc
Classification: Pathogenic for Breast-ovarian cancer, familial, susceptibility to, 2. Review status: criteria provided, single submitter. Criteria: ACMG Guidelines, 2015. Collection method: clinical testing. Allele origin: germline. Not counted in ClinVar's aggregate classification.
Comment: Absent from controls (or at extremely low frequency if recessive) in Genome Aggregation Database.;Null variant in a gene where loss of function (LOF) is a known mechanism of disease.;Novel missense change at an amino acid residue where a different missense change determined to be pathogenic has been seen before.

Yang An-Suei Laboratory, Academia Sinica
Classification: Pathogenic for breast cancer. Review status: criteria provided, single submitter. Criteria: Submitter's publication. Collection method: clinical testing. Allele origin: germline. Affected: yes. Not counted in ClinVar's aggregate classification.

Literature cited by the submitters: PubMed 20104584 (cited by Labcorp Genetics (formerly Invitae), Labcorp); PubMed 27553291 (cited by Labcorp Genetics (formerly Invitae), Labcorp and Ambry Genetics); PubMed 29566657 (cited by Labcorp Genetics (formerly Invitae), Labcorp and Ambry Genetics); PubMed 29446198 (cited by Ambry Genetics).

NM_000059.4(BRCA2):c.2990T>G (p.Leu997Ter)

Gene: BRCA2 (BRCA2 DNA repair associated; plus strand). Cytogenetic location: 13q13.1.
Variant type: single nucleotide variant.
Coding change: c.2990T>G on transcript NM_000059.4 (MANE Select); coding-DNA position 2990, T replaced by G.
Protein change: p.Leu997Ter; replaces leucine 997 with a stop codon.
Molecular consequence: nonsense.
Genome position (GRCh38, 1-based): chr13:32,337,345, T>G. VCF-style: chr13-32337345-T-G. GRCh37 (hg19) VCF-style: chr13-32911482-T-G.
Other names: 3218T>G; short protein forms L997*.
Identifiers: ClinVar variation 266732 (VCV000266732.22), dbSNP rs397507649, ClinGen allele CA10589184.